The following is an entry in ClinVar:

ClinVar aggregate classification (germline): Uncertain significance (1 of 4 stars; one submission).

Conditions:
Congenital myasthenic syndrome 8. Also called: MYASTHENIC SYNDROME, CONGENITAL, DUE TO AGRIN DEFICIENCY; Myasthenic syndrome, congenital, 8, with pre- and postsynaptic defects. Identifiers: Orphanet 590, MedGen C3808739, MONDO:0014052, OMIM 615120.

Allele frequency attached by ClinVar (database versions not stated): gnomAD exomes below 0.00001.
gnomAD v4.1: 8 of 1,596,652 alleles (0.0005%); highest among the groups gnomAD compares: African/African-American, 0.0067%; no homozygotes.

Submission:

Labcorp Genetics (formerly Invitae), Labcorp
Classification: Uncertain significance for Congenital myasthenic syndrome 8. Last evaluated: 2025-10-02. Review status: criteria provided, single submitter. Criteria: Invitae Variant Classification Sherloc (09022015). Collection method: clinical testing. Allele origin: germline.
Comment: This sequence change replaces glutamine, which is neutral and polar, with glutamic acid, which is acidic and polar, at codon 458 of the AGRN protein (p.Gln458Glu). This variant is not present in population databases (gnomAD no frequency). This variant has not been reported in the literature in individuals affected with AGRN-related conditions. ClinVar contains an entry for this variant (Variation ID: 1966840). An algorithm developed to predict the effect of missense changes on protein structure and function (PolyPhen-2) suggests that this variant is likely to be tolerated. In summary, the available evidence is currently insufficient to determine the role of this variant in disease. Therefore, it has been classified as a Variant of Uncertain Significance.

NM_198576.4(AGRN):c.1372C>G (p.Gln458Glu)

Gene: AGRN (agrin; plus strand). Cytogenetic location: 1p36.33.
Variant type: single nucleotide variant.
Coding change: c.1372C>G on transcript NM_198576.4 (MANE Select); coding-DNA position 1372, C replaced by G.
Protein change: p.Gln458Glu; replaces glutamine 458 with glutamic acid.
Molecular consequence: missense variant.
Genome position (GRCh38, 1-based): chr1:1,042,150, C>G. VCF-style: chr1-1042150-C-G. GRCh37 (hg19) VCF-style: chr1-977530-C-G.
Other names: c.1372C>G, p.Gln458Glu (NM_001305275.2); c.1057C>G, p.Gln353Glu (NM_001364727.2); short protein forms Q353E, Q458E.
Identifiers: ClinVar variation 1966840 (VCV001966840.5), dbSNP rs2100638949, ClinGen allele CA337828904.
Genomic context (GRCh38, chr1:1,042,150, plus strand): 5'-AGTGATTGCTGGCGGCAGCAGGCTGAGTGCCGGCAGCAGCGTGCCATCCCCAGCAAGCAC[C>G]AGGGCCCGTGTGGTGAGCGCCCCGGGGTGGAGGCCAGGCGGGGTGGGCTGCTCCTGCGTC-3'
Protein context (NP_940978.2, residues 448-468): RQQRAIPSKH[Gln458Glu]GPCDQAPSPC